The following is an entry in ClinVar:

ClinVar aggregate classification (germline): Benign/Likely benign. Review status: criteria provided, multiple submitters, no conflicts (2 of 4 stars). 14 submissions from 14 submitters: Benign (3); Likely benign (8). 3 of the submissions do not count toward it. Last evaluated 2026-02-03.

Conditions:
Hereditary cancer-predisposing syndrome. Also called: Hereditary Cancer Syndrome; Hereditary neoplastic syndrome; Neoplastic Syndromes, Hereditary; Tumor predisposition. Identifiers: Orphanet 140162, MedGen C0027672, MeSH D009386, MONDO:0015356.
Breast-ovarian cancer, familial, susceptibility to, 1 (BROVCA1). Also called: BRCA1 Hereditary Breast and Ovarian Cancer; OVARIAN CANCER, SUSCEPTIBILITY TO. Identifiers: Orphanet 145, MedGen C2676676, MONDO:0011450, OMIM 604370. Disease mechanism: loss of function.
BRCA1-related disorder. Also called: BRCA1-related condition.
Fanconi anemia, complementation group S (FANCS). Identifiers: MedGen C4554406, MONDO:0054748, OMIM 617883.
Hereditary breast ovarian cancer syndrome. Also called: BRCA1- and BRCA2-Associated Hereditary Breast and Ovarian Cancer; Hereditary breast and ovarian cancer syndrome; Hereditary breast and ovarian cancer syndrome (HBOC); Breast and ovarian cancer; Hereditary breast and/or ovarian cancer syndrome; Hereditary breast and ovarian cancer. Identifiers: Orphanet 145, MedGen C0677776, MeSH D061325, MONDO:0003582. Disease mechanism: loss of function.

Allele frequency attached by ClinVar (database versions not stated): gnomAD 0.00001; TOPMed 0.00001; gnomAD exomes 0.00004 and 0.00009; ExAC 0.00002.
gnomAD v4.1: 134 of 1,614,110 alleles (0.0083%); highest among the groups gnomAD compares: East Asian, 0.29%; no homozygotes.

Submissions (14):

Labcorp Genetics (formerly Invitae), Labcorp
Classification: Likely benign for Hereditary breast ovarian cancer syndrome. Last evaluated: 2026-02-03. Review status: criteria provided, single submitter. Criteria: Invitae Variant Classification Sherloc (09022015). Collection method: clinical testing. Allele origin: germline.

Center for Genomic Medicine, Rigshospitalet, Copenhagen University Hospital
Classification: Likely benign. Last evaluated: 2025-03-04. Review status: criteria provided, single submitter. Criteria: ACMG Guidelines, 2015. Collection method: clinical testing. Allele origin: germline.

Quest Diagnostics Nichols Institute San Juan Capistrano
Classification: Benign. Last evaluated: 2024-12-23. Review status: criteria provided, single submitter. Criteria: Quest Diagnostics criteria. Collection method: clinical testing. Allele origin: unknown.

Department of Pathology and Laboratory Medicine, Sinai Health System
Classification: Likely benign for Fanconi anemia, complementation group S. Last evaluated: 2023-01-12. Review status: criteria provided, single submitter. Criteria: ACMG Guidelines, 2015. Collection method: clinical testing. Allele origin: germline. Affected: no.

GeneDx
Classification: Likely benign. Last evaluated: 2021-02-23. Review status: criteria provided, single submitter. Criteria: GeneDx Variant Classification Process June 2021. Collection method: clinical testing. Allele origin: germline. Affected: yes.
Comment: In silico analysis supports that this missense variant does not alter protein structure/function; This variant is associated with the following publications: (PMID: 27383479, 28288110, 23704879, 19016756, 17100994, 16949048, 12496477, 19491284, 22217648, 16455195, 27124784, 30415210, 28111427, 30765603, 31131967, 28781887)

Sema4
Classification: Likely benign for Hereditary cancer-predisposing syndrome. Last evaluated: 2021-02-15. Review status: criteria provided, single submitter. Criteria: Sema4 Curation Guidelines. Collection method: curation. Allele origin: germline.

Women's Health and Genetics/Laboratory Corporation of America, LabCorp
Classification: Benign. Last evaluated: 2020-10-15. Review status: criteria provided, single submitter. Criteria: LabCorp Variant Classification Summary - May 2015. Collection method: clinical testing. Allele origin: germline.
Comment: Variant summary: BRCA1 c.4729T>C (p.Ser1577Pro) results in a non-conservative amino acid change in the encoded protein sequence. Four of five in-silico tools predict a benign effect of the variant on protein function. The variant allele was found at a frequency of 5.6e-05 in 251842 control chromosomes, predominantly at a frequency of 0.00054 within the East Asian subpopulation in the gnomAD database. This frequency is not higher than the maximum expected for a pathogenic variant in BRCA1 causing Hereditary Breast and Ovarian Cancer (HBOC) Syndrome (0.001). However, in certain East Asian subpopulations the variant was observed with an even higher occurrence, e.g. in the Japanese control population it occurred with a frequency of 0.0055 (jMorp database), suggesting a benign role for the variant. The variant, c.4729T>C, has been reported in the literature in individuals affected with Hereditary Breast and Ovarian Cancer, as well as in several unaffected controls, who were almost exclusively of East Asian origin. Two recent case-control association studies, involving breast cancer patients and controls of Korean- (Park_2017) and Japanese ancestry (Momozawa_2018), found that the variant is not associated with a significant increase in breast/ovarian cancer risk, and therefore the authors of these studies classified that the variant as likely benign/benign, respectively. Co-occurrences with other pathogenic variants have been reported (ATM c.7456C>T (p.Arg2486X) in Ohmoto_2018; and BRCA2 c.6952C>T (p.Arg2318X), and BRCA2 c.6486_6489delACAA (p.Lys2162AsnfsX5) in two internal LCA samples), providing supporting evidence for a benign role. At least one publication reported experimental evidence evaluating an impact on protein function, and demonstrated that the variant protein had a slightly stronger transcriptional activity than the wild type; therefore, authors classified the variant as "not likely pathogenic" (Woods 2016). Six other clinical diagnostic laboratories have submitted clinical-significance assessments for this variant to ClinVar after 2014 without evidence for independent evaluation. All laboratories classified the variant as benign (1x) / likely benign (5x). Based on the evidence outlined above, the variant was classified as benign.

ARUP Laboratories, Molecular Genetics and Genomics, ARUP Laboratories
Classification: Likely benign. Last evaluated: 2019-10-11. Review status: criteria provided, single submitter. Criteria: ARUP Molecular Germline Variant Investigation Process. Collection method: clinical testing. Allele origin: germline.

Mendelics
Classification: Likely benign for Breast-ovarian cancer, familial, susceptibility to, 1. Last evaluated: 2019-05-28. Review status: criteria provided, single submitter. Criteria: Mendelics Assertion Criteria 2017. Collection method: clinical testing. Allele origin: unknown.

Ambry Genetics
Classification: Likely benign for Hereditary cancer-predisposing syndrome. Last evaluated: 2018-12-05. Review status: criteria provided, single submitter. Criteria: Ambry Variant Classification Scheme 2023. Collection method: clinical testing. Allele origin: germline.

Color Diagnostics, LLC DBA Color Health
Classification: Benign for Hereditary cancer-predisposing syndrome. Last evaluated: 2016-01-19. Review status: criteria provided, single submitter. Criteria: ACMG Guidelines, 2015. Collection method: clinical testing. Allele origin: germline.

PreventionGenetics, part of Exact Sciences
Classification: Likely benign for BRCA1-related condition. Last evaluated: 2024-08-03. Review status: no assertion criteria provided. Collection method: clinical testing. Allele origin: germline. Not counted in ClinVar's aggregate classification.
Comment: This variant is classified as likely benign based on ACMG/AMP sequence variant interpretation guidelines (Richards et al. 2015 PMID: 25741868, with internal and published modifications).

Sharing Clinical Reports Project (SCRP)
Classification: Likely benign for Breast-ovarian cancer, familial 1. Last evaluated: 2011-05-27. Review status: no assertion criteria provided. Collection method: clinical testing. Allele origin: germline. Not counted in ClinVar's aggregate classification.

Breast Cancer Information Core (BIC) (BRCA1)
Classification: Uncertain significance for Breast-ovarian cancer, familial 1. Last evaluated: 2004-02-20. Review status: no assertion criteria provided. Collection method: clinical testing. Allele origin: germline. Affected: yes. Observed: 1 variant allele. Not counted in ClinVar's aggregate classification.

Literature cited by the submitters: PubMed 30765603 (cited by Center for Genomic Medicine, Rigshospitalet, Copenhagen University Hospital and Women's Health and Genetics/Laboratory Corporation of America, LabCorp); PubMed 30287823 (cited by 3 submitters); PubMed 22217648 (cited by Quest Diagnostics Nichols Institute San Juan Capistrano and Women's Health and Genetics/Laboratory Corporation of America, LabCorp); PubMed 30415210 (cited by Quest Diagnostics Nichols Institute San Juan Capistrano); PubMed 28111427 (cited by 3 submitters); PubMed 28364669 (cited by Quest Diagnostics Nichols Institute San Juan Capistrano and Women's Health and Genetics/Laboratory Corporation of America, LabCorp); PubMed 28422718 (cited by Quest Diagnostics Nichols Institute San Juan Capistrano and Women's Health and Genetics/Laboratory Corporation of America, LabCorp); PubMed 19491284 (cited by Quest Diagnostics Nichols Institute San Juan Capistrano and Women's Health and Genetics/Laboratory Corporation of America, LabCorp); PubMed 17100994 (cited by Quest Diagnostics Nichols Institute San Juan Capistrano and Women's Health and Genetics/Laboratory Corporation of America, LabCorp); PubMed 19016756 (cited by Quest Diagnostics Nichols Institute San Juan Capistrano and Women's Health and Genetics/Laboratory Corporation of America, LabCorp); PubMed 27383479 (cited by Quest Diagnostics Nichols Institute San Juan Capistrano); PubMed 23704879 (cited by Quest Diagnostics Nichols Institute San Juan Capistrano); PubMed 16949048 (cited by Quest Diagnostics Nichols Institute San Juan Capistrano and Women's Health and Genetics/Laboratory Corporation of America, LabCorp); PubMed 12496477 (cited by Quest Diagnostics Nichols Institute San Juan Capistrano and Women's Health and Genetics/Laboratory Corporation of America, LabCorp); PubMed 33471991 (cited by Department of Pathology and Laboratory Medicine, Sinai Health System); PubMed 29667044 (cited by Department of Pathology and Laboratory Medicine, Sinai Health System and Women's Health and Genetics/Laboratory Corporation of America, LabCorp); PubMed 16267036 (cited by Women's Health and Genetics/Laboratory Corporation of America, LabCorp); PubMed 28351343 (cited by Women's Health and Genetics/Laboratory Corporation of America, LabCorp); PubMed 28288110 (cited by Women's Health and Genetics/Laboratory Corporation of America, LabCorp); PubMed 29215753 (cited by Women's Health and Genetics/Laboratory Corporation of America, LabCorp); PubMed 28781887 (cited by Women's Health and Genetics/Laboratory Corporation of America, LabCorp).

NM_007294.4(BRCA1):c.4729T>C (p.Ser1577Pro)

Gene: BRCA1 (BRCA1 DNA repair associated; minus strand). Cytogenetic location: 17q21.31.
Variant type: single nucleotide variant.
Coding change: c.4729T>C on transcript NM_007294.4 (MANE Select); coding-DNA position 4729, T replaced by C.
Protein change: p.Ser1577Pro; replaces serine 1577 with proline.
Molecular consequence: missense variant. On other transcripts: non-coding transcript variant (1).
Genome position (GRCh38, 1-based): chr17:43,071,185, A>G on the plus strand (T>C on the coding strand, the complement: BRCA1 is on the minus strand). VCF-style: chr17-43071185-A-G. GRCh37 (hg19) VCF-style: chr17-41223202-A-G.
Other names: p.S1577P:TCT>CCT; 4848T>C; c.4726T>C, p.Ser1576Pro (NM_001407616.1, NM_001407617.1, NM_001407618.1 and 17 more transcripts); c.4723T>C, p.Ser1575Pro (NM_001407635.1, NM_001407636.1, NM_001407637.1 and 14 more transcripts); c.4720T>C, p.Ser1574Pro (NM_001407644.1, NM_001407645.1); c.4648T>C, p.Ser1550Pro (NM_001407657.1, NM_001407658.1, NM_001407656.1); c.4645T>C, p.Ser1549Pro (NM_001407659.1, NM_001407660.1, NM_001407661.1 and 2 more transcripts); c.4606T>C, p.Ser1536Pro (NM_001407664.1, NM_001407665.1, NM_001407666.1 and 6 more transcripts); and 72 more; short protein forms S1577P, S473P, S1530P, S1598P, S1408P, S1466P, S1505P, S1529P.
Identifiers: ClinVar variation 55272 (VCV000055272.39), dbSNP rs80356909, ClinGen allele CA002994.